The following is an entry in ClinVar:

NM_001393769.1(MED12L):c.4640G>A (p.Arg1547Gln)

Genes: MED12L (mediator complex subunit 12L; plus strand), P2RY12 (purinergic receptor P2Y12; minus strand). Cytogenetic location: 3q25.1.
Variant type: single nucleotide variant.
Coding change: c.4640G>A on transcript NM_001393769.1 (MANE Select); coding-DNA position 4640, G replaced by A.
Protein change: p.Arg1547Gln; replaces arginine 1547 with glutamine.
Molecular consequence: missense variant. On other transcripts: intron variant (1).
Genome position (GRCh38, 1-based): chr3:151,382,705, G>A. VCF-style: chr3-151382705-G-A. GRCh37 (hg19) VCF-style: chr3-151100493-G-A.
Other names: c.4535G>A, p.Arg1512Gln (NM_053002.6); c.-180+1987C>T (NM_022788.5); c.4535G>A (NM_053002.4); short protein forms R1512Q, R1547Q.
Identifiers: ClinVar variation 2654235 (VCV002654235.25), dbSNP rs141691317, ClinGen allele CA2668580.

ClinVar aggregate classification (germline): Conflicting classifications of pathogenicity. Review status: criteria provided, conflicting classifications (1 of 4 stars). 2 submissions from 2 submitters: Uncertain significance (1); Likely benign (1). Last evaluated 2025-08-26.

Conditions:
Inborn genetic diseases. Identifiers: MedGen C0950123, MeSH D030342.

Allele frequency attached by ClinVar (database versions not stated): ExAC 0.00003; gnomAD exomes 0.00003; TOPMed 0.00005; gnomAD 0.00006; ESP Exome Variant Server 0.00015.
gnomAD v4.1: 55 of 1,611,972 alleles (0.0034%); highest among the groups gnomAD compares: Non-Finnish European, 0.0043%; no homozygotes.

Submissions (2):

Ambry Genetics
Classification: Uncertain significance for Inborn genetic diseases. Last evaluated: 2025-08-26. Review status: criteria provided, single submitter. Criteria: Ambry Variant Classification Scheme 2023. Collection method: clinical testing. Allele origin: germline.

CeGaT Center for Human Genetics Tuebingen
Classification: Likely benign. Last evaluated: 2022-05-01. Review status: criteria provided, single submitter. Criteria: CeGaT Center For Human Genetics Tuebingen Variant Classification Criteria Version 2. Collection method: clinical testing. Allele origin: germline. Affected: yes. Observed: 1 variant allele.
Comment: MED12L: PP2, BP4, BS2